The following is an entry in ClinVar:

NM_172351.3(CD46):c.404G>C (p.Gly135Ala)

Gene: CD46 (CD46 molecule; plus strand). Cytogenetic location: 1q32.2.
Variant type: single nucleotide variant.
Coding change: c.404G>C on transcript NM_172351.3 (MANE Select); coding-DNA position 404, G replaced by C.
Protein change: p.Gly135Ala; replaces glycine 135 with alanine.
Molecular consequence: missense variant.
Genome position (GRCh38, 1-based): chr1:207,759,653, G>C. VCF-style: chr1-207759653-G-C. GRCh37 (hg19) VCF-style: chr1-207932998-G-C.
Other names: c.404G>C, p.Gly135Ala (NM_002389.4, NM_153826.4, NM_172350.3 and 8 more transcripts); short protein forms G135A.
Identifiers: ClinVar variation 4291265 (VCV004291265.1).

ClinVar aggregate classification (germline): Uncertain significance (1 of 4 stars; one submission).

Conditions:
Atypical hemolytic-uremic syndrome. Identifiers: Orphanet 2134, MedGen C2931788, MONDO:0016244.

Submission:

Genomenon, Inc
Classification: Uncertain significance for Atypical hemolytic-uremic syndrome. Last evaluated: 2025-10-02. Review status: criteria provided, single submitter. Criteria: Genomenon Sequence Variant Interpretation Standards. Collection method: curation. Allele origin: germline. Affected: no.
Comment: CD46 p.Gly135Ala (c.404G>C) is a missense variant that changes the amino acid at residue 135 from Glycine to Alanine. This variant has been reported in the published literature (PMID:10960475). It is absent or not present at a significant frequency in gnomAD. In conclusion, we classify CD46 p.Gly135Ala (c.404G>C) as a variant of uncertain significance.

Literature cited by the submitters: PubMed 10960475.